The following is an entry in ClinVar:

ClinVar aggregate classification (germline): Uncertain significance (1 of 4 stars; one submission).

Allele frequency attached by ClinVar (database versions not stated): gnomAD exomes below 0.00001; TOPMed 0.00001.
gnomAD v4.1: 7 of 1,613,284 alleles (0.00043%); highest among the groups gnomAD compares: Non-Finnish European, 0.00042%; no homozygotes.

Submission:

Labcorp Genetics (formerly Invitae), Labcorp
Classification: Uncertain significance. Last evaluated: 2024-10-23. Review status: criteria provided, single submitter. Criteria: Invitae Variant Classification Sherloc (09022015). Collection method: clinical testing. Allele origin: germline.
Comment: This sequence change replaces arginine, which is basic and polar, with cysteine, which is neutral and slightly polar, at codon 763 of the NDST1 protein (p.Arg763Cys). This variant is not present in population databases (gnomAD no frequency). This variant has not been reported in the literature in individuals affected with NDST1-related conditions. Invitae Evidence Modeling of protein sequence and biophysical properties (such as structural, functional, and spatial information, amino acid conservation, physicochemical variation, residue mobility, and thermodynamic stability) indicates that this missense variant is expected to disrupt NDST1 protein function with a positive predictive value of 80%. In summary, the available evidence is currently insufficient to determine the role of this variant in disease. Therefore, it has been classified as a Variant of Uncertain Significance.

NM_001543.5(NDST1):c.2287C>T (p.Arg763Cys)

Gene: NDST1 (N-deacetylase and N-sulfotransferase 1; plus strand). Cytogenetic location: 5q33.1.
Variant type: single nucleotide variant.
Coding change: c.2287C>T on transcript NM_001543.5 (MANE Select); coding-DNA position 2287, C replaced by T.
Protein change: p.Arg763Cys; replaces arginine 763 with cysteine.
Molecular consequence: missense variant. On other transcripts: intron variant (1).
Genome position (GRCh38, 1-based): chr5:150,548,359, C>T. VCF-style: chr5-150548359-C-T. GRCh37 (hg19) VCF-style: chr5-149927921-C-T.
Other names: c.2146-1319C>T (NM_001301063.2); short protein forms R763C.
Identifiers: ClinVar variation 2990410 (VCV002990410.3), dbSNP rs1275710599, ClinGen allele CA361769383.